The following is an entry in ClinVar:

NM_138927.4(SON):c.1677G>C (p.Glu559Asp)

Gene: SON (SON DNA and RNA binding protein; plus strand). Cytogenetic location: 21q22.11.
Variant type: single nucleotide variant.
Coding change: c.1677G>C on transcript NM_138927.4 (MANE Select); coding-DNA position 1677, G replaced by C.
Protein change: p.Glu559Asp; replaces glutamic acid 559 with aspartic acid.
Molecular consequence: missense variant. On other transcripts: non-coding transcript variant (1), intron variant (1).
Genome position (GRCh38, 1-based): chr21:33,550,908, G>C. VCF-style: chr21-33550908-G-C. GRCh37 (hg19) VCF-style: chr21-34923214-G-C.
Other names: c.1677G>C, p.Glu559Asp (NM_001291411.2, NM_032195.3); c.244+4529G>C (NM_001291412.3); short protein forms E559D.
Identifiers: ClinVar variation 3366661 (VCV003366661.1).

ClinVar aggregate classification (germline): Uncertain significance (1 of 4 stars; one submission).

Submission:

Women's Health and Genetics/Laboratory Corporation of America, LabCorp
Classification: Uncertain significance. Last evaluated: 2024-08-30. Review status: criteria provided, single submitter. Criteria: LabCorp Variant Classification Summary - May 2015. Collection method: clinical testing. Allele origin: germline.
Comment: Variant summary: SON c.1677G>C (p.Glu559Asp) results in a conservative amino acid change in the encoded protein sequence. Four of five in-silico tools predict a benign effect of the variant on protein function. The variant was absent in 249312 control chromosomes. The available data on variant occurrences in the general population are insufficient to allow any conclusion about variant significance. To our knowledge, no occurrence of c.1677G>C in individuals affected with ZTTK Syndrome and no experimental evidence demonstrating its impact on protein function have been reported. No submitters have cited clinical-significance assessments for this variant to ClinVar. Based on the evidence outlined above, the variant was classified as uncertain significance.